The following is an entry in ClinVar:

ClinVar aggregate classification (germline): Uncertain significance. Review status: criteria provided, multiple submitters, no conflicts (2 of 4 stars). 5 submissions from 5 submitters: Uncertain significance (5). Last evaluated 2025-03-17.

Conditions:
Cardiomyopathy (CMYO). Also called: Cardiomyopathies. Identifiers: Orphanet 167848, MedGen C0878544, MONDO:0004994, HP:0001638. Inheritance: Various modes of inheritance.
Cardiovascular phenotype. Identifiers: MedGen CN230736.
Hypertrophic cardiomyopathy. Also called: HYPERTROPHIC MYOCARDIOPATHY. Identifiers: Orphanet 217569, MedGen C0007194, MeSH D002312, MONDO:0005045, HP:0001639.

Allele frequency attached by ClinVar (database versions not stated): gnomAD exomes below 0.00001.
gnomAD v4.1: 5 of 1,613,290 alleles (0.00031%); highest among the groups gnomAD compares: Non-Finnish European, 0.000085%; no homozygotes.

Submissions (5):

Labcorp Genetics (formerly Invitae), Labcorp
Classification: Uncertain significance for Hypertrophic cardiomyopathy. Last evaluated: 2025-03-17. Review status: criteria provided, single submitter. Criteria: Invitae Variant Classification Sherloc (09022015). Collection method: clinical testing. Allele origin: germline.
Comment: This sequence change replaces aspartic acid, which is acidic and polar, with glycine, which is neutral and non-polar, at codon 228 of the MYBPC3 protein (p.Asp228Gly). This variant is not present in population databases (gnomAD no frequency). This variant has not been reported in the literature in individuals affected with MYBPC3-related conditions. ClinVar contains an entry for this variant (Variation ID: 1332628). An algorithm developed to predict the effect of missense changes on protein structure and function (PolyPhen-2) suggests that this variant is likely to be tolerated. In summary, the available evidence is currently insufficient to determine the role of this variant in disease. Therefore, it has been classified as a Variant of Uncertain Significance.

Ambry Genetics
Classification: Uncertain significance for Cardiovascular phenotype. Last evaluated: 2024-05-16. Review status: criteria provided, single submitter. Criteria: Ambry Variant Classification Scheme 2023. Collection method: clinical testing. Allele origin: germline.
Comment: The p.D228G variant (also known as c.683A>G), located in coding exon 6 of the MYBPC3 gene, results from an A to G substitution at nucleotide position 683. The aspartic acid at codon 228 is replaced by glycine, an amino acid with similar properties. This amino acid position is not well conserved in available vertebrate species. In addition, this alteration is predicted to be tolerated by in silico analysis. Based on the available evidence, the clinical significance of this variant remains unclear.

All of Us Research Program, National Institutes of Health
Classification: Uncertain significance for Hypertrophic cardiomyopathy. Last evaluated: 2023-12-13. Review status: criteria provided, single submitter. Criteria: ACMG Guidelines, 2015. Collection method: clinical testing. Allele origin: germline. Inheritance: Autosomal dominant inheritance. Observed: 2 variant alleles, 2 heterozygotes.
Comment: This missense variant replaces aspartic acid with glycine at codon 228 of the MYBPC3 protein. Computational prediction suggests that this variant may not impact protein structure and function (internally defined REVEL score threshold <= 0.5, PMID: 27666373). To our knowledge, functional studies have not been reported for this variant. This variant has not been reported in individuals affected with cardiovascular disorders in the literature. This variant has not been identified in the general population by the Genome Aggregation Database (gnomAD). The available evidence is insufficient to determine the role of this variant in disease conclusively. Therefore, this variant is classified as a Variant of Uncertain Significance.

This study involves interpretation of variants in research participants for the purpose of population health screening. Participant phenotype was not available at the time of variant classification. Additional details can be found in publication PMID: 35346344, PMCID: PMC8962531

Color Diagnostics, LLC DBA Color Health
Classification: Uncertain significance for Cardiomyopathy. Last evaluated: 2023-10-05. Review status: criteria provided, single submitter. Criteria: ACMG Guidelines, 2015. Collection method: clinical testing. Allele origin: germline.
Comment: This missense variant replaces aspartic acid with glycine at codon 228 of the MYBPC3 protein. Computational prediction suggests that this variant may not impact protein structure and function (internally defined REVEL score threshold <= 0.5, PMID: 27666373). To our knowledge, functional studies have not been reported for this variant. This variant has not been reported in individuals affected with MYBPC3-related disorders in the literature. This variant has not been identified in the general population by the Genome Aggregation Database (gnomAD). The available evidence is insufficient to determine the role of this variant in disease conclusively. Therefore, this variant is classified as a Variant of Uncertain Significance.

Clinical Genetics Laboratory, Skane University Hospital Lund
Classification: Uncertain significance. Last evaluated: 2022-09-05. Review status: criteria provided, single submitter. Criteria: ACMG Guidelines, 2015. Collection method: clinical testing. Allele origin: germline. Affected: yes.

NM_000256.3(MYBPC3):c.683A>G (p.Asp228Gly)

Gene: MYBPC3 (myosin binding protein C3; minus strand). Cytogenetic location: 11p11.2.
Variant type: single nucleotide variant.
Coding change: c.683A>G on transcript NM_000256.3 (MANE Select); coding-DNA position 683, A replaced by G.
Protein change: p.Asp228Gly; replaces aspartic acid 228 with glycine.
Molecular consequence: missense variant.
Genome position (GRCh38, 1-based): chr11:47,348,513, T>C on the plus strand (A>G on the coding strand, the complement: MYBPC3 is on the minus strand). VCF-style: chr11-47348513-T-C. GRCh37 (hg19) VCF-style: chr11-47370064-T-C.
Other names: short protein forms D228G.
Identifiers: ClinVar variation 1332628 (VCV001332628.10), dbSNP rs2142866342, ClinGen allele CA380336255.